The following is an entry in ClinVar:

NM_001365999.1(SZT2):c.8213C>T (p.Pro2738Leu)

Gene: SZT2 (SZT2 subunit of KICSTOR complex; plus strand). Cytogenetic location: 1p34.2.
Variant type: single nucleotide variant.
Coding change: c.8213C>T on transcript NM_001365999.1 (MANE Select); coding-DNA position 8213, C replaced by T.
Protein change: p.Pro2738Leu; replaces proline 2738 with leucine.
Molecular consequence: missense variant.
Genome position (GRCh38, 1-based): chr1:43,442,880, C>T. VCF-style: chr1-43442880-C-T. GRCh37 (hg19) VCF-style: chr1-43908551-C-T.
Other names: c.8042C>T, p.Pro2681Leu (NM_015284.4); short protein forms P2681L, P2738L.
Identifiers: ClinVar variation 595667 (VCV000595667.12), dbSNP rs1401968790, ClinGen allele CA340038149.

ClinVar aggregate classification (germline): Uncertain significance. Review status: criteria provided, multiple submitters, no conflicts (2 of 4 stars). 3 submissions from 3 submitters: Uncertain significance (3). Last evaluated 2024-02-16.

Conditions:
Developmental and epileptic encephalopathy, 18 (DEE18). Also called: Early infantile epileptic encephalopathy 18. Identifiers: Orphanet 369894, MedGen C3809624, MONDO:0014201, OMIM 615476.

Allele frequency attached by ClinVar (database versions not stated): gnomAD exomes below 0.00001; gnomAD 0.00001 and 0.00002.
gnomAD v4.1: 8 of 1,613,630 alleles (0.0005%); highest among the groups gnomAD compares: African/African-American, 0.0013%; no homozygotes.

Submissions (3):

Labcorp Genetics (formerly Invitae), Labcorp
Classification: Uncertain significance. Last evaluated: 2024-02-16. Review status: criteria provided, single submitter. Criteria: Invitae Variant Classification Sherloc (09022015). Collection method: clinical testing. Allele origin: germline.
Comment: This sequence change replaces proline, which is neutral and non-polar, with leucine, which is neutral and non-polar, at codon 2681 of the SZT2 protein (p.Pro2681Leu). This variant is present in population databases (no rsID available, gnomAD 0.01%). This variant has not been reported in the literature in individuals affected with SZT2-related conditions. ClinVar contains an entry for this variant (Variation ID: 595667). Advanced modeling of protein sequence and biophysical properties (such as structural, functional, and spatial information, amino acid conservation, physicochemical variation, residue mobility, and thermodynamic stability) performed at Invitae indicates that this missense variant is not expected to disrupt SZT2 protein function with a negative predictive value of 80%. In summary, the available evidence is currently insufficient to determine the role of this variant in disease. Therefore, it has been classified as a Variant of Uncertain Significance.

Genome-Nilou Lab
Classification: Uncertain significance for Developmental and epileptic encephalopathy, 18. Last evaluated: 2023-04-11. Review status: criteria provided, single submitter. Criteria: ACMG Guidelines, 2015. Collection method: clinical testing. Allele origin: germline. Affected: no.

Eurofins Ntd Llc (ga)
Classification: Uncertain significance. Last evaluated: 2018-01-09. Review status: criteria provided, single submitter. Criteria: EGL Classification Definitions 2015. Collection method: clinical testing. Allele origin: germline. Observed: 1 variant allele, 1 heterozygote.